The following is an entry in ClinVar:

ClinVar aggregate classification (germline): Uncertain significance (1 of 4 stars; one submission).

gnomAD v4.1: 3 of 1,614,152 alleles (0.00019%); highest among the groups gnomAD compares: Non-Finnish European, 0.00025%; no homozygotes.

Submission:

CeGaT Center for Human Genetics Tuebingen
Classification: Uncertain significance. Last evaluated: 2026-07-01. Review status: criteria provided, single submitter. Criteria: CeGaT Center For Human Genetics Tuebingen Variant Classification Criteria Version 2. Collection method: clinical testing. Allele origin: germline. Affected: yes. Observed: 1 variant allele.
Comment: ERBB4: PM2, BP4

NM_005235.3(ERBB4):c.3410C>T (p.Pro1137Leu)

Gene: ERBB4 (erb-b2 receptor tyrosine kinase 4; minus strand). Cytogenetic location: 2q34.
Variant type: single nucleotide variant.
Coding change: c.3410C>T on transcript NM_005235.3 (MANE Select); coding-DNA position 3410, C replaced by T.
Protein change: p.Pro1137Leu; replaces proline 1137 with leucine.
Molecular consequence: missense variant.
Genome position (GRCh38, 1-based): chr2:211,386,924, G>A on the plus strand (C>T on the coding strand, the complement: ERBB4 is on the minus strand). VCF-style: chr2-211386924-G-A. GRCh37 (hg19) VCF-style: chr2-212251649-G-A.
Other names: c.3362C>T, p.Pro1121Leu (NM_001042599.2); c.3380C>T, p.Pro1127Leu (NM_001439005.1); c.3332C>T, p.Pro1111Leu (NM_001439006.1); short protein forms P1111L, P1121L, P1127L, P1137L.
Identifiers: ClinVar variation 5039756 (VCV005039756.1).